The following is an entry in ClinVar:

NM_025000.4(DCAF17):c.971A>G (p.Asp324Gly)

Gene: DCAF17 (DDB1 and CUL4 associated factor 17; plus strand). Cytogenetic location: 2q31.1.
Variant type: single nucleotide variant.
Coding change: c.971A>G on transcript NM_025000.4 (MANE Select); coding-DNA position 971, A replaced by G.
Protein change: p.Asp324Gly; replaces aspartic acid 324 with glycine.
Molecular consequence: missense variant. On other transcripts: non-coding transcript variant (1).
Genome position (GRCh38, 1-based): chr2:171,469,020, A>G. VCF-style: chr2-171469020-A-G. GRCh37 (hg19) VCF-style: chr2-172325530-A-G.
Other names: c.971A>G, p.Asp324Gly (NM_001164821.2); short protein forms D324G.
Identifiers: ClinVar variation 4977074 (VCV004977074.1).

ClinVar aggregate classification (germline): Uncertain significance (1 of 4 stars; one submission).

Conditions:
DCAF17-related disorder. Also called: DCAF17-related condition.

gnomAD v4.1: 5 of 1,614,010 alleles (0.00031%); highest among the groups gnomAD compares: Admixed American, 0.005%; no homozygotes.

Submission:

PreventionGenetics, part of Exact Sciences
Classification: Uncertain significance for DCAF17-related condition. Last evaluated: 2025-10-01. Review status: criteria provided, single submitter. Criteria: ACMG Guidelines, 2015. Collection method: clinical testing. Allele origin: germline.
Comment: The DCAF17 c.971A>G variant is predicted to result in the amino acid substitution p.Asp324Gly. To our knowledge, this variant has not been reported in the literature. This variant is reported in 0.0058% of alleles in individuals of Latino descent in gnomAD. At this time, the clinical significance of this variant is uncertain due to the absence of conclusive functional and genetic evidence.